The following is an entry in ClinVar:

NM_058179.4(PSAT1):c.800T>C (p.Met267Thr)

Gene: PSAT1 (phosphoserine aminotransferase 1; plus strand). Cytogenetic location: 9q21.2.
Variant type: single nucleotide variant.
Coding change: c.800T>C on transcript NM_058179.4 (MANE Select); coding-DNA position 800, T replaced by C.
Protein change: p.Met267Thr; replaces methionine 267 with threonine.
Molecular consequence: missense variant.
Genome position (GRCh38, 1-based): chr9:78,317,735, T>C. VCF-style: chr9-78317735-T-C. GRCh37 (hg19) VCF-style: chr9-80932651-T-C.
Other names: c.800T>C, p.Met267Thr (NM_021154.5); short protein forms M267T.
Identifiers: ClinVar variation 2095396 (VCV002095396.2), dbSNP rs2489672512, ClinGen allele CA373857145.

ClinVar aggregate classification (germline): Uncertain significance (1 of 4 stars; one submission).

Conditions:
Neu-Laxova syndrome 2. Identifiers: Orphanet 2671, Orphanet 583602, MedGen C4015019, MONDO:0014466, OMIM 616038.

Allele frequency attached by ClinVar (database versions not stated): gnomAD exomes 0.00001.
gnomAD v4.1: 3 of 1,613,820 alleles (0.00019%); highest among the groups gnomAD compares: Middle Eastern, 0.017%; no homozygotes.

Submission:

Labcorp Genetics (formerly Invitae), Labcorp
Classification: Uncertain significance for Neu-Laxova syndrome 2. Last evaluated: 2022-02-09. Review status: criteria provided, single submitter. Criteria: Invitae Variant Classification Sherloc (09022015). Collection method: clinical testing. Allele origin: germline.
Comment: In summary, the available evidence is currently insufficient to determine the role of this variant in disease. Therefore, it has been classified as a Variant of Uncertain Significance. Algorithms developed to predict the effect of missense changes on protein structure and function are either unavailable or do not agree on the potential impact of this missense change (SIFT: "Deleterious"; PolyPhen-2: "Benign"; Align-GVGD: "Class C0"). This variant has not been reported in the literature in individuals affected with PSAT1-related conditions. This variant is not present in population databases (gnomAD no frequency). This sequence change replaces methionine, which is neutral and non-polar, with threonine, which is neutral and polar, at codon 267 of the PSAT1 protein (p.Met267Thr).